The following is an entry in ClinVar:

NM_000540.3(RYR1):c.13824C>T (p.Gly4608=)

Gene: RYR1 (ryanodine receptor 1; plus strand). Cytogenetic location: 19q13.2.
Variant type: single nucleotide variant.
Coding change: c.13824C>T on transcript NM_000540.3 (MANE Select); coding-DNA position 13824, C replaced by T.
Protein change: p.Gly4608=; no amino-acid change (glycine 4608 retained).
Molecular consequence: synonymous variant.
Genome position (GRCh38, 1-based): chr19:38,572,096, C>T. VCF-style: chr19-38572096-C-T. GRCh37 (hg19) VCF-style: chr19-39062736-C-T.
Other names: c.13809C>T, p.Gly4603= (NM_001042723.2).
Identifiers: ClinVar variation 2173645 (VCV002173645.6), dbSNP rs1186777047, ClinGen allele CA507355990.

ClinVar aggregate classification (germline): Likely benign. Review status: criteria provided, multiple submitters, no conflicts (2 of 4 stars). 3 submissions from 3 submitters: Likely benign (3). Last evaluated 2024-07-20.

Conditions:
RYR1-related disorder. Also called: RYR1-related condition; RYR1-related disorders. Identifiers: MedGen CN239331.
Malignant hyperthermia, susceptibility to, 1 (MHS1). Also called: Anesthesia related hyperthermia; Malignant hyperpyrexia; Fulminating hyperpyrexia; Pharmacogenic myopathy; RYR1-Related Malignant Hyperthermia Susceptibility; Malignant hyperthermia suceptibility 1. Identifiers: Orphanet 423, MedGen C2930980, MONDO:0007783, OMIM 145600.

Allele frequency attached by ClinVar (database versions not stated): gnomAD 0.00001; gnomAD exomes 0.00001; TOPMed 0.00001.
gnomAD v4.1: 14 of 1,614,006 alleles (0.00087%); highest among the groups gnomAD compares: Non-Finnish European, 0.0012%; no homozygotes.

Submissions (3):

All of Us Research Program, National Institutes of Health
Classification: Likely benign for Malignant hyperthermia, susceptibility to, 1. Last evaluated: 2024-07-20. Review status: criteria provided, single submitter. Criteria: ACMG Guidelines, 2015. Collection method: clinical testing. Allele origin: germline. Inheritance: Autosomal dominant inheritance. Observed: 2 variant alleles, 2 heterozygotes.
Comment: This study involves interpretation of variants in research participants for the purpose of population health screening. Participant phenotype was not available at the time of variant classification. Additional details can be found in publication PMID: 35346344, PMCID: PMC8962531

Labcorp Genetics (formerly Invitae), Labcorp
Classification: Likely benign for RYR1-related disorder. Last evaluated: 2023-07-19. Review status: criteria provided, single submitter. Criteria: Invitae Variant Classification Sherloc (09022015). Collection method: clinical testing. Allele origin: germline.

Color Diagnostics, LLC DBA Color Health
Classification: Likely benign for Malignant hyperthermia, susceptibility to, 1. Last evaluated: 2022-09-16. Review status: criteria provided, single submitter. Criteria: ACMG Guidelines, 2015. Collection method: clinical testing. Allele origin: germline.